The following is an entry in ClinVar:

NM_001330288.2(SMARCC2):c.408C>G (p.Cys136Trp)

Gene: SMARCC2 (SWI/SNF related, matrix associated, actin dependent regulator of chromatin subfamily c member 2; minus strand). Cytogenetic location: 12q13.2.
Variant type: single nucleotide variant.
Coding change: c.408C>G on transcript NM_001330288.2 (MANE Select); coding-DNA position 408, C replaced by G.
Protein change: p.Cys136Trp; replaces cysteine 136 with tryptophan.
Molecular consequence: missense variant.
Genome position (GRCh38, 1-based): chr12:56,184,928, G>C on the plus strand (C>G on the coding strand, the complement: SMARCC2 is on the minus strand). VCF-style: chr12-56184928-G-C. GRCh37 (hg19) VCF-style: chr12-56578712-G-C.
Other names: c.408C>G, p.Cys136Trp (NM_001130420.3, NM_003075.5, NM_139067.4); short protein forms C136W.
Identifiers: ClinVar variation 1254736 (VCV001254736.2), dbSNP rs1876936548, ClinGen allele CA385356689.

ClinVar aggregate classification (germline): Uncertain significance (1 of 4 stars; one submission).

Submission:

GeneDx
Classification: Uncertain significance. Last evaluated: 2021-08-16. Review status: criteria provided, single submitter. Criteria: GeneDx Variant Classification Process June 2021. Collection method: clinical testing. Allele origin: germline. Affected: yes.
Comment: Not observed at significant frequency in large population cohorts (Lek et al., 2016); In silico analysis supports that this missense variant has a deleterious effect on protein structure/function; Has not been previously published as pathogenic or benign to our knowledge